The following is an entry in ClinVar:

ClinVar aggregate classification (germline): Likely benign. Review status: criteria provided, multiple submitters, no conflicts (2 of 4 stars). 3 submissions from 3 submitters: Likely benign (3). Last evaluated 2025-09-10.

Conditions:
Hereditary cancer-predisposing syndrome. Also called: Neoplastic Syndromes, Hereditary; Hereditary neoplastic syndrome; Tumor predisposition; Hereditary Cancer Syndrome. Identifiers: Orphanet 140162, MedGen C0027672, MeSH D009386, MONDO:0015356.
Ataxia-telangiectasia syndrome (AT). Also called: AT, COMPLEMENTATION GROUP C; ATAXIA-TELANGIECTASIA, COMPLEMENTATION GROUP A; ATAXIA-TELANGIECTASIA, FRESNO VARIANT; LOUIS-BAR SYNDROME; Ataxia-telangiectasia; Cerebello-oculocutaneous telangiectasia. Identifiers: Orphanet 100, MedGen C0004135, MONDO:0008840, OMIM 208900.

Allele frequency attached by ClinVar (database versions not stated): gnomAD 0.00001; gnomAD exomes 0.00001; TOPMed 0.00001.
gnomAD v4.1: 21 of 1,613,674 alleles (0.0013%); highest among the groups gnomAD compares: Non-Finnish European, 0.0018%; no homozygotes.

Submissions (3):

Labcorp Genetics (formerly Invitae), Labcorp
Classification: Likely benign for Ataxia-telangiectasia syndrome. Last evaluated: 2025-09-10. Review status: criteria provided, single submitter. Criteria: Invitae Variant Classification Sherloc (09022015). Collection method: clinical testing. Allele origin: germline.

Color Diagnostics, LLC DBA Color Health
Classification: Likely benign for Hereditary cancer-predisposing syndrome. Last evaluated: 2019-04-22. Review status: criteria provided, single submitter. Criteria: ACMG Guidelines, 2015. Collection method: clinical testing. Allele origin: germline.

GeneDx
Classification: Likely benign. Last evaluated: 2016-04-06. Review status: criteria provided, single submitter. Criteria: GeneDx Variant Classification (06012015). Collection method: clinical testing. Allele origin: germline. Affected: yes.
Comment: This variant is considered likely benign or benign based on one or more of the following criteria: it is a conservative change, it occurs at a poorly conserved position in the protein, it is predicted to be benign by multiple in silico algorithms, and/or has population frequency not consistent with disease.

NM_000051.4(ATM):c.1607+16A>G

Gene: ATM (ATM serine/threonine kinase; plus strand). Cytogenetic location: 11q22.3.
Variant type: single nucleotide variant.
Coding change: c.1607+16A>G on transcript NM_000051.4 (MANE Select); 16 bases into the intron after coding-DNA position 1607, A replaced by G.
Molecular consequence: intron variant.
Genome position (GRCh38, 1-based): chr11:108,251,088, A>G. VCF-style: chr11-108251088-A-G. GRCh37 (hg19) VCF-style: chr11-108121815-A-G.
Other names: c.1607+16A>G (NM_001351834.2).
Identifiers: ClinVar variation 385414 (VCV000385414.11), dbSNP rs1057522219, ClinGen allele CA16606152.
Genomic context (GRCh38, chr11:108,251,088, plus strand): 5'-AGAATTCTGGAAGTTATTTACTGGGTCAGCCTGCAGACCTTCATGGTAAGTTCAGCATGC[A>G]TTATGTCTGACTTACAGATAAACACACACAGACACACACACACTCACATATCCCTGATCA-3'